The following is an entry in ClinVar:

NM_000089.4(COL1A2):c.3854A>G (p.Asn1285Ser)

Gene: COL1A2 (collagen type I alpha 2 chain; plus strand). Cytogenetic location: 7q21.3.
Variant type: single nucleotide variant.
Coding change: c.3854A>G on transcript NM_000089.4 (MANE Select); coding-DNA position 3854, A replaced by G.
Protein change: p.Asn1285Ser; replaces asparagine 1285 with serine.
Molecular consequence: missense variant.
Genome position (GRCh38, 1-based): chr7:94,429,330, A>G. VCF-style: chr7-94429330-A-G. GRCh37 (hg19) VCF-style: chr7-94058642-A-G.
Other names: short protein forms N1285S.
Identifiers: ClinVar variation 930534 (VCV000930534.6), dbSNP rs1584332850, ClinGen allele CA368226899.

ClinVar aggregate classification (germline): Uncertain significance. Review status: criteria provided, multiple submitters, no conflicts (2 of 4 stars). 3 submissions from 3 submitters: Uncertain significance (3). Last evaluated 2024-09-22.

Conditions:
Osteogenesis imperfecta with normal sclerae, dominant form (OI4). Also called: OSTEOGENESIS IMPERFECTA WITH NORMAL SCLERAE; OSTEOGENESIS IMPERFECTA, TYPE IV, WITH DENTINOGENESIS IMPERFECTA; Osteogenesis imperfecta type 4; Osteogenesis Imperfecta Type IV; Common Variable Osteogenesis Imperfecta with Normal Sclerae. Identifiers: Orphanet 216820, Orphanet 666, MedGen C0268363, MONDO:0008148, OMIM 166220.
Osteogenesis imperfecta type I (OI1). Also called: Lobstein's Disease; OI, TYPE I; OSTEOGENESIS IMPERFECTA TARDA; OSTEOGENESIS IMPERFECTA WITH BLUE SCLERAE; Osteogenesis imperfecta type 1; Lobstein disease. Identifiers: Orphanet 216796, Orphanet 666, MedGen C0023931, MONDO:0008146, OMIM 166200. Disease mechanism: loss of function.
Ehlers-Danlos syndrome, classic type, 1 (EDSCL1). Also called: Ehlers-Danlos syndrome, type 1; EHLERS-DANLOS SYNDROME, GRAVIS TYPE; EHLERS-DANLOS SYNDROME, SEVERE CLASSIC TYPE; EDS I; Ehlers-Danlos Syndrome, Classic Type, COL5A1-Related. Identifiers: MedGen C0268335, MONDO:0019567, OMIM 130000.

Allele frequency attached by ClinVar (database versions not stated): gnomAD exomes below 0.00001.
gnomAD v4.1: 1 of 1,614,124 alleles (0.000062%); highest among the groups gnomAD compares: Non-Finnish European, 0.000085%; no homozygotes.

Submissions (3):

Labcorp Genetics (formerly Invitae), Labcorp
Classification: Uncertain significance for Osteogenesis imperfecta type I; Ehlers-Danlos syndrome, classic type, 1. Last evaluated: 2024-09-22. Review status: criteria provided, single submitter. Criteria: Invitae Variant Classification Sherloc (09022015). Collection method: clinical testing. Allele origin: germline.
Comment: This sequence change replaces asparagine, which is neutral and polar, with serine, which is neutral and polar, at codon 1285 of the COL1A2 protein (p.Asn1285Ser). This variant is not present in population databases (gnomAD no frequency). This variant has not been reported in the literature in individuals affected with COL1A2-related conditions. ClinVar contains an entry for this variant (Variation ID: 930534). Invitae Evidence Modeling of protein sequence and biophysical properties (such as structural, functional, and spatial information, amino acid conservation, physicochemical variation, residue mobility, and thermodynamic stability) indicates that this missense variant is not expected to disrupt COL1A2 protein function with a negative predictive value of 95%. In summary, the available evidence is currently insufficient to determine the role of this variant in disease. Therefore, it has been classified as a Variant of Uncertain Significance.

Centre for Mendelian Genomics, University Medical Centre Ljubljana
Classification: Uncertain significance for Osteogenesis imperfecta with normal sclerae, dominant form. Last evaluated: 2019-02-20. Review status: criteria provided, single submitter. Criteria: ACMG Guidelines, 2015. Collection method: clinical testing. Allele origin: unknown. Affected: yes.
Comment: This variant was classified as: Uncertain significance. The available evidence on this variant's pathogenicity is insufficient or conflicting. The following ACMG criteria were applied in classifying this variant: PM2,PP2,BP4.

Breakthrough Genomics
Classification: Uncertain significance. Review status: criteria provided, single submitter. Criteria: ACMG Guidelines, 2015. Collection method: not provided. Allele origin: germline. Inheritance: Autosomal recessive inheritance. Affected: yes.